The following is an entry in ClinVar:

ClinVar aggregate classification (germline): Uncertain significance. Review status: criteria provided, multiple submitters, no conflicts (2 of 4 stars). 2 submissions from 2 submitters: Uncertain significance (2). Last evaluated 2025-05-18.

Conditions:
Baller-Gerold syndrome (BGS). Also called: CRANIOSYNOSTOSIS WITH RADIAL DEFECTS. Identifiers: Orphanet 1225, MedGen C0265308, MONDO:0009039, OMIM 218600.
Inborn genetic diseases. Identifiers: MedGen C0950123, MeSH D030342.

Submissions (2):

Ambry Genetics
Classification: Uncertain significance for Inborn genetic diseases. Last evaluated: 2025-05-18. Review status: criteria provided, single submitter. Criteria: Ambry Variant Classification Scheme 2023. Collection method: clinical testing. Allele origin: germline.
Comment: The p.L692R variant (also known as c.2075T>G), located in coding exon 13 of the RECQL4 gene, results from a T to G substitution at nucleotide position 2075. The leucine at codon 692 is replaced by arginine, an amino acid with dissimilar properties. This amino acid position is conserved. In addition, this alteration is predicted to be deleterious by in silico analysis. Based on the available evidence, the clinical significance of this variant remains unclear.

Labcorp Genetics (formerly Invitae), Labcorp
Classification: Uncertain significance for Baller-Gerold syndrome. Last evaluated: 2023-09-12. Review status: criteria provided, single submitter. Criteria: Invitae Variant Classification Sherloc (09022015). Collection method: clinical testing. Allele origin: germline.
Comment: Advanced modeling of protein sequence and biophysical properties (such as structural, functional, and spatial information, amino acid conservation, physicochemical variation, residue mobility, and thermodynamic stability) performed at Invitae indicates that this missense variant is expected to disrupt RECQL4 protein function. In summary, the available evidence is currently insufficient to determine the role of this variant in disease. Therefore, it has been classified as a Variant of Uncertain Significance. This variant has not been reported in the literature in individuals affected with RECQL4-related conditions. This variant is not present in population databases (gnomAD no frequency). This sequence change replaces leucine, which is neutral and non-polar, with arginine, which is basic and polar, at codon 692 of the RECQL4 protein (p.Leu692Arg).

NM_004260.4(RECQL4):c.2075T>G (p.Leu692Arg)

Gene: RECQL4 (RecQ like helicase 4; minus strand). Cytogenetic location: 8q24.3.
Variant type: single nucleotide variant.
Coding change: c.2075T>G on transcript NM_004260.4 (MANE Select); coding-DNA position 2075, T replaced by G.
Protein change: p.Leu692Arg; replaces leucine 692 with arginine.
Molecular consequence: missense variant. On other transcripts: non-coding transcript variant (2).
Genome position (GRCh38, 1-based): chr8:144,513,696, A>C on the plus strand (T>G on the coding strand, the complement: RECQL4 is on the minus strand). VCF-style: chr8-144513696-A-C. GRCh37 (hg19) VCF-style: chr8-145739080-A-C.
Other names: c.2075T>G (NM_004260.3); c.1979T>G, p.Leu660Arg (NM_001413017.1, NM_001413020.1); c.2075T>G, p.Leu692Arg (NM_001413018.1, NM_001413019.1, NM_001413036.1); c.1004T>G, p.Leu335Arg (NM_001413021.1, NM_001413022.1, NM_001413023.1 and 6 more transcripts); c.1946T>G, p.Leu649Arg (NM_001413025.1); c.938T>G, p.Leu313Arg (NM_001413027.1, NM_001413041.1, NM_001413030.1 and 1 more transcripts); c.2045T>G, p.Leu682Arg (NM_001413039.1); c.974T>G, p.Leu325Arg (NM_001413042.1); and 5 more; short protein forms L203R, L269R, L313R, L335R, L575R, L649R, L325R, L648R.
Identifiers: ClinVar variation 2757714 (VCV002757714.4), dbSNP rs1564796553, ClinGen allele CA372680055.